The following is an entry in ClinVar:

NM_001853.4(COL9A3):c.181_182dup (p.Gly62fs)

Gene: COL9A3 (collagen type IX alpha 3 chain; plus strand). Cytogenetic location: 20q13.33.
Variant type: Duplication.
Coding change: c.181_182dup on transcript NM_001853.4 (MANE Select); coding-DNA positions 181 to 182, 2 bases duplicated (CC; older notation c.181_182dupCC).
Protein change: p.Gly62fs; shifts the reading frame from glycine 62.
Molecular consequence: frameshift variant.
Genome position (GRCh38, 1-based): chr20:62,818,551-62,818,552, CC duplicated; duplicating any 2 consecutive bases within chr20:62,818,548-62,818,552 gives the same sequence; the c. name uses the placement nearest the transcript's 3' end. VCF-style (leftmost placement, unchanged base first): chr20-62818547-G-GCC. GRCh37 (hg19) VCF-style: chr20-61449899-G-GCC.
Other names: short protein forms G62fs.
Identifiers: ClinVar variation 1464215 (VCV001464215.6), dbSNP rs1293618149, ClinGen allele CA636332044.

ClinVar aggregate classification (germline): Pathogenic (1 of 4 stars; one submission).

Submission:

Labcorp Genetics (formerly Invitae), Labcorp
Classification: Pathogenic. Last evaluated: 2025-06-01. Review status: criteria provided, single submitter. Criteria: Invitae Variant Classification Sherloc (09022015). Collection method: clinical testing. Allele origin: germline.
Comment: This sequence change creates a premature translational stop signal (p.Gly62Argfs*27) in the COL9A3 gene. It is expected to result in an absent or disrupted protein product. Loss-of-function variants in COL9A3 are known to be pathogenic (PMID: 24273071, 31090205). This variant is present in population databases (no rsID available, gnomAD 0.003%). This variant has not been reported in the literature in individuals affected with COL9A3-related conditions. ClinVar contains an entry for this variant (Variation ID: 1464215). For these reasons, this variant has been classified as Pathogenic.

Literature cited by the submitters: PubMed 24273071; PubMed 31090205.